The following is an entry in ClinVar:

ClinVar aggregate classification (germline): Likely pathogenic. Review status: criteria provided, single submitter (1 of 4 stars). 2 submissions from 2 submitters: Likely pathogenic (1). 1 of the submissions does not count toward it. Last evaluated 2023-01-25.

Conditions:
Joubert syndrome 33. Identifiers: MedGen C4540389, MONDO:0033311, OMIM 617767.
PIBF1-related disorder. Also called: PIBF1-related condition.

Submissions (2):

Broad Center for Mendelian Genomics, Broad Institute of MIT and Harvard
Classification: Likely pathogenic for Joubert syndrome 33. Last evaluated: 2023-01-25. Review status: criteria provided, single submitter. Criteria: ACMG Guidelines, 2015. Collection method: curation. Allele origin: germline. Inheritance: Autosomal recessive inheritance.
Comment: Trio exome analysis revealed that this variant was in trans with a likely pathogenic variant (dbSNP ID: rs751380401). The p.Lys353ArgfsTer7 variant in PIBF1 has not been previously reported in individuals with Joubert syndrome 33. This variant was absent from large population studies. This variant is predicted to cause a frameshift, which alters the protein‚Äôs amino acid sequence beginning at position 353 and leads to a premature termination codon 7 amino acids downstream. This alteration is then predicted to lead to a truncated or absent protein. Loss of function of the PIBF1 gene is strongly associated to autosomal recessive Joubert syndrome 33. In summary, although additional studies are required to fully establish its clinical significance, this variant is likely pathogenic for autosomal recessive Joubert syndrome 33. ACMG/AMP Criteria applied: PVS1_Strong, PM2_Supporting, PM3 (Richards 2015).

PreventionGenetics, part of Exact Sciences
Classification: Likely pathogenic for PIBF1-related condition. Last evaluated: 2024-04-05. Review status: no assertion criteria provided. Collection method: clinical testing. Allele origin: germline. Not counted in ClinVar's aggregate classification.
Comment: The PIBF1 c.1056_1068del13 variant is predicted to result in a frameshift and premature protein termination (p.Lys353Argfs*7). This variant has been reported in the compound heterozygous state in an individual with Joubert syndrome (Byrne et al. 2023. PubMed ID: 36658419). This variant has not been reported in a large population database, indicating this variant is rare. This variant is classified as likely pathogenic in the ClinVar. Frameshift variants in PIBF1 are expected to be pathogenic. This variant is interpreted as likely pathogenic.

NM_006346.4(PIBF1):c.1056_1068del (p.Lys353fs)

Gene: PIBF1 (progesterone immunomodulatory binding factor 1; plus strand). Cytogenetic location: 13q22.1.
Variant type: Deletion.
Coding change: c.1056_1068del on transcript NM_006346.4 (MANE Select); coding-DNA positions 1056 to 1068, 13 bases deleted (AAAGGCTAGAGAA).
Protein change: p.Lys353fs; shifts the reading frame from lysine 353.
Molecular consequence: frameshift variant. On other transcripts: non-coding transcript variant (2).
Genome position (GRCh38, 1-based): chr13:72,827,873-72,827,885, AAAGGCTAGAGAA deleted; deleting any 13 consecutive bases within chr13:72,827,871-72,827,885 gives the same sequence; the c. name uses the placement nearest the transcript's 3' end. VCF-style (leftmost placement, unchanged base first): chr13-72827870-CAAAAAGGCTAGAG-C. GRCh37 (hg19) VCF-style: chr13-73402008-CAAAAAGGCTAGAG-C.
Other names: NR_146206.2:n.1320_1332del; c.1056_1068del, p.Lys353fs (NM_001349655.2); c.1056_1068del13 (NM_006346.2); short protein forms K353fs.
Identifiers: ClinVar variation 2412732 (VCV002412732.2), dbSNP rs2501854454, ClinGen allele CA913185928.